The following is an entry in ClinVar:

ClinVar aggregate classification (germline): Uncertain significance. Review status: criteria provided, multiple submitters, no conflicts (2 of 4 stars). 3 submissions from 3 submitters: Uncertain significance (3). Last evaluated 2025-01-28.

Conditions:
Familial cancer of breast. Also called: hereditary breast carcinoma; BREAST CANCER, FAMILIAL; Hereditary breast cancer. Identifiers: Orphanet 227535, MedGen C0346153, MONDO:0016419, OMIM 114480. Disease mechanism: loss of function.
Hereditary cancer-predisposing syndrome. Also called: Hereditary neoplastic syndrome; Neoplastic Syndromes, Hereditary; Tumor predisposition; Hereditary Cancer Syndrome. Identifiers: Orphanet 140162, MedGen C0027672, MeSH D009386, MONDO:0015356.

Submissions (3):

Labcorp Genetics (formerly Invitae), Labcorp
Classification: Uncertain significance for Familial cancer of breast. Last evaluated: 2025-01-28. Review status: criteria provided, single submitter. Criteria: Invitae Variant Classification Sherloc (09022015). Collection method: clinical testing. Allele origin: germline.
Comment: This variant, c.147_149del, results in the deletion of 1 amino acid(s) of the PALB2 protein (p.Lys50del), but otherwise preserves the integrity of the reading frame. This variant is not present in population databases (gnomAD no frequency). This variant has not been reported in the literature in individuals affected with PALB2-related conditions. ClinVar contains an entry for this variant (Variation ID: 941081). Experimental studies and prediction algorithms are not available or were not evaluated, and the functional significance of this variant is currently unknown. In summary, the available evidence is currently insufficient to determine the role of this variant in disease. Therefore, it has been classified as a Variant of Uncertain Significance.

Ambry Genetics
Classification: Uncertain significance for Hereditary cancer-predisposing syndrome. Last evaluated: 2024-07-24. Review status: criteria provided, single submitter. Criteria: Ambry Variant Classification Scheme 2023. Collection method: clinical testing. Allele origin: germline.
Comment: The c.147_149delGAA variant (also known as p.K50del) is located in coding exon 3 of the PALB2 gene. This variant results from an in-frame GAA deletion at nucleotide positions 147 to 149. This results in the in-frame deletion of a lysine at codon 50. This amino acid position is well conserved in available vertebrate species. Since supporting evidence is limited at this time, the clinical significance of this alteration remains unclear.

Baylor Genetics
Classification: Uncertain significance for Familial cancer of breast. Last evaluated: 2023-05-04. Review status: criteria provided, single submitter. Criteria: ACMG Guidelines, 2015. Collection method: clinical testing. Allele origin: unknown.

NM_024675.4(PALB2):c.147_149del (p.Lys50del)

Gene: PALB2 (partner and localizer of BRCA2; minus strand). Cytogenetic location: 16p12.2.
Variant type: Deletion.
Coding change: c.147_149del on transcript NM_024675.4 (MANE Select); coding-DNA positions 147 to 149, 3 bases deleted (GAA; older notation c.147_149delGAA).
Protein change: p.Lys50del; deletes lysine 50.
Molecular consequence: inframe deletion.
Genome position (GRCh38, 1-based): chr16:23,637,912-23,637,914, TTC deleted on the plus strand (GAA on the coding strand, the reverse complement: PALB2 is on the minus strand); deleting any 3 consecutive bases within chr16:23,637,912-23,637,916 gives the same sequence; the c. name uses the placement nearest the transcript's 3' end. VCF-style (leftmost placement, unchanged base first): chr16-23637911-TTTC-T. GRCh37 (hg19) VCF-style: chr16-23649232-TTTC-T.
Other names: c.147_149delGAA (NM_024675.3); short protein forms K50del.
Identifiers: ClinVar variation 941081 (VCV000941081.15), dbSNP rs1967103032, ClinGen allele CA1139664628.